The following is an entry in ClinVar:

NM_003060.4(SLC22A5):c.1251G>A (p.Met417Ile)

Gene: SLC22A5 (solute carrier family 22 member 5; plus strand). Cytogenetic location: 5q31.1.
Variant type: single nucleotide variant.
Coding change: c.1251G>A on transcript NM_003060.4 (MANE Select); coding-DNA position 1251, G replaced by A.
Protein change: p.Met417Ile; replaces methionine 417 with isoleucine.
Molecular consequence: missense variant.
Genome position (GRCh38, 1-based): chr5:132,390,888, G>A. VCF-style: chr5-132390888-G-A. GRCh37 (hg19) VCF-style: chr5-131726580-G-A.
Other names: c.1323G>A, p.Met441Ile (NM_001308122.2); c.1251G>A (NM_003060.3); short protein forms M417I, M441I.
Identifiers: ClinVar variation 1444983 (VCV001444983.5), dbSNP rs756473868, ClinGen allele CA3404106.
Genomic context (GRCh38, chr5:132,390,888, plus strand): 5'-GCCCCGGCGCTATTCCATGGCCACTGCCCTCTTCCTGGGTGGCAGTGTCCTTCTCTTCAT[G>A]CAGCTGGTACCCCCAGGTAGGGACCATGTGCATCTATGGTTTGGGGTCTTCACTGAGTCT-3'
Protein context (NP_003051.1, residues 407-427): LFLGGSVLLF[Met417Ile]QLVPPDLYYL

ClinVar aggregate classification (germline): Uncertain significance. Review status: criteria provided, multiple submitters, no conflicts (2 of 4 stars). 2 submissions from 2 submitters: Uncertain significance (2). Last evaluated 2025-11-05.

Conditions:
Inborn genetic diseases. Identifiers: MedGen C0950123, MeSH D030342.
Renal carnitine transport defect (CDSP). Also called: Systemic primary carnitine deficiency disease; CARNITINE DEFICIENCY, SYSTEMIC, DUE TO DEFECT IN RENAL REABSORPTION OF CARNITINE; CARNITINE TRANSPORTER, PLASMA-MEMBRANE, DEFICIENCY OF; CARNITINE UPTAKE DEFECT; Carnitine transporter deficiency; Carnitine Deficiency, Systemic. Identifiers: Orphanet 158, MedGen C0342788, MONDO:0008919, OMIM 212140.

Allele frequency attached by ClinVar (database versions not stated): gnomAD exomes below 0.00001; TOPMed below 0.00001; ExAC 0.00001; gnomAD 0.00001.
gnomAD v4.1: 5 of 1,613,958 alleles (0.00031%); highest among the groups gnomAD compares: Admixed American, 0.0033%; no homozygotes.

Submissions (2):

Ambry Genetics
Classification: Uncertain significance for Inborn genetic diseases. Last evaluated: 2025-11-05. Review status: criteria provided, single submitter. Criteria: Ambry Variant Classification Scheme 2023. Collection method: clinical testing. Allele origin: germline.

Labcorp Genetics (formerly Invitae), Labcorp
Classification: Uncertain significance for Renal carnitine transport defect. Last evaluated: 2024-06-15. Review status: criteria provided, single submitter. Criteria: Invitae Variant Classification Sherloc (09022015). Collection method: clinical testing. Allele origin: germline.
Comment: This sequence change replaces methionine, which is neutral and non-polar, with isoleucine, which is neutral and non-polar, at codon 417 of the SLC22A5 protein (p.Met417Ile). This variant is present in population databases (rs756473868, gnomAD 0.003%). This variant has not been reported in the literature in individuals affected with SLC22A5-related conditions. ClinVar contains an entry for this variant (Variation ID: 1444983). Advanced modeling of protein sequence and biophysical properties (such as structural, functional, and spatial information, amino acid conservation, physicochemical variation, residue mobility, and thermodynamic stability) performed at Invitae indicates that this missense variant is not expected to disrupt SLC22A5 protein function with a negative predictive value of 95%. In summary, the available evidence is currently insufficient to determine the role of this variant in disease. Therefore, it has been classified as a Variant of Uncertain Significance.